The following is an entry in ClinVar:

ClinVar aggregate classification (germline): Likely benign. Review status: criteria provided, multiple submitters, no conflicts (2 of 4 stars). 2 submissions from 2 submitters: Likely benign (2). Last evaluated 2025-11-22.

Conditions:
COL18A1-related disorder. Also called: COL18A1-related disorders; COL18A1-related condition.

Allele frequency attached by ClinVar (database versions not stated): 1000 Genomes Project 30x 0.00031; 1000 Genomes Project 0.00040.
gnomAD v4.1: 44 of 1,533,208 alleles (0.0029%); highest among the groups gnomAD compares: African/African-American, 0.027%; no homozygotes.

Submissions (2):

Labcorp Genetics (formerly Invitae), Labcorp
Classification: Likely benign. Last evaluated: 2025-11-22. Review status: criteria provided, single submitter. Criteria: Invitae Variant Classification Sherloc (09022015). Collection method: clinical testing. Allele origin: germline.

PreventionGenetics, part of Exact Sciences
Classification: Likely benign for COL18A1-related condition. Last evaluated: 2025-05-07. Review status: criteria provided, single submitter. Criteria: ACMG Guidelines, 2015. Collection method: clinical testing. Allele origin: germline.
Comment: This variant is classified as likely benign based on ACMG/AMP sequence variant interpretation guidelines (Richards et al. 2015 PMID: 25741868, with internal and published modifications).

NM_001379500.1(COL18A1):c.1398+7C>T

Gene: COL18A1 (collagen type XVIII alpha 1 chain; plus strand). Cytogenetic location: 21q22.3.
Variant type: single nucleotide variant.
Coding change: c.1398+7C>T on transcript NM_001379500.1 (MANE Select); 7 bases into the intron after coding-DNA position 1398, C replaced by T.
Molecular consequence: intron variant.
Genome position (GRCh38, 1-based): chr21:45,480,163, C>T. VCF-style: chr21-45480163-C-T. GRCh37 (hg19) VCF-style: chr21-46900077-C-T.
Other names: c.1938+7C>T (NM_030582.4, NM_030582.3); c.2643+7C>T (NM_130444.3).
Identifiers: ClinVar variation 1594228 (VCV001594228.9), dbSNP rs74439012, ClinGen allele CA10066276.